The following is an entry in ClinVar:

NM_006231.4(POLE):c.3173A>T (p.Lys1058Met)

Gene: POLE (DNA polymerase epsilon, catalytic subunit; minus strand). Cytogenetic location: 12q24.33.
Variant type: single nucleotide variant.
Coding change: c.3173A>T on transcript NM_006231.4 (MANE Select); coding-DNA position 3173, A replaced by T.
Protein change: p.Lys1058Met; replaces lysine 1058 with methionine.
Molecular consequence: missense variant.
Genome position (GRCh38, 1-based): chr12:132,659,397, T>A on the plus strand (A>T on the coding strand, the complement: POLE is on the minus strand). VCF-style: chr12-132659397-T-A. GRCh37 (hg19) VCF-style: chr12-133235983-T-A.
Other names: c.3173A>T (NM_006231.2); short protein forms K1058M.
Identifiers: ClinVar variation 1003271 (VCV001003271.8), dbSNP rs2042629524, ClinGen allele CA387390788.
Genomic context (GRCh38, chr12:132,659,397, plus strand): 5'-TAGCGGCAACTCAGCCCTGCATCCTTGACCATCTGGTCTCCCAGGAACTCGGCCAGGCGC[T>A]TTGCTGTGCTGATGGACGTAGACTTCTGCTCCCCGTAATCTTCCAGCTTCCGAGACATGG-3'
Protein context (NP_006222.2, residues 1048-1068): EQKSTSISTA[Lys1058Met]RLAEFLGDQM

ClinVar aggregate classification (germline): Uncertain significance. Review status: criteria provided, multiple submitters, no conflicts (2 of 4 stars). 2 submissions from 2 submitters: Uncertain significance (2). Last evaluated 2025-04-11.

Conditions:
Hereditary cancer-predisposing syndrome. Also called: Hereditary neoplastic syndrome; Neoplastic Syndromes, Hereditary; Tumor predisposition; Hereditary Cancer Syndrome. Identifiers: Orphanet 140162, MedGen C0027672, MeSH D009386, MONDO:0015356.

Allele frequency attached by ClinVar (database versions not stated): gnomAD exomes below 0.00001.
gnomAD v4.1: 2 of 1,614,190 alleles (0.00012%); highest among the groups gnomAD compares: Non-Finnish European, 0.00017%; no homozygotes.

Submissions (2):

Ambry Genetics
Classification: Uncertain significance for Hereditary cancer-predisposing syndrome. Last evaluated: 2025-04-11. Review status: criteria provided, single submitter. Criteria: Ambry Variant Classification Scheme 2023. Collection method: clinical testing. Allele origin: germline.
Comment: The p.K1058M variant (also known as c.3173A>T), located in coding exon 26 of the POLE gene, results from an A to T substitution at nucleotide position 3173. The lysine at codon 1058 is replaced by methionine, an amino acid with similar properties. This amino acid position is conserved. In addition, the in silico prediction for this alteration is inconclusive. Based on the available evidence, the clinical significance of this variant remains unclear.

Labcorp Genetics (formerly Invitae), Labcorp
Classification: Uncertain significance. Last evaluated: 2024-07-01. Review status: criteria provided, single submitter. Criteria: Invitae Variant Classification Sherloc (09022015). Collection method: clinical testing. Allele origin: germline.
Comment: This sequence change replaces lysine, which is basic and polar, with methionine, which is neutral and non-polar, at codon 1058 of the POLE protein (p.Lys1058Met). This variant is not present in population databases (gnomAD no frequency). This variant has not been reported in the literature in individuals affected with POLE-related conditions. ClinVar contains an entry for this variant (Variation ID: 1003271). Advanced modeling of protein sequence and biophysical properties (such as structural, functional, and spatial information, amino acid conservation, physicochemical variation, residue mobility, and thermodynamic stability) performed at Invitae indicates that this missense variant is expected to disrupt POLE protein function with a positive predictive value of 80%. In summary, the available evidence is currently insufficient to determine the role of this variant in disease. Therefore, it has been classified as a Variant of Uncertain Significance.